The following is an entry in ClinVar:

ClinVar aggregate classification (germline): Conflicting classifications of pathogenicity. Review status: criteria provided, conflicting classifications (1 of 4 stars). 3 submissions from 3 submitters: Uncertain significance (1); Benign (1). 1 of the submissions does not count toward it. Last evaluated 2026-01-09.

Conditions:
KL-related disorder. Also called: KL-related condition.
Tumoral calcinosis, hyperphosphatemic, familial, 3. Identifiers: MedGen C4693864, MONDO:0060715, OMIM 617994.

Allele frequency attached by ClinVar (database versions not stated): gnomAD 0.00186 and 0.00193; gnomAD exomes 0.00220; ExAC 0.00225; 1000 Genomes Project 30x 0.00062; 1000 Genomes Project 0.00080; TOPMed 0.00099; ESP Exome Variant Server 0.00123.
gnomAD v4.1: 2,997 of 1,613,872 alleles (0.19%); highest among the groups gnomAD compares: Non-Finnish European, 0.17%; 9 homozygotes.

Submissions (3):

Labcorp Genetics (formerly Invitae), Labcorp
Classification: Benign. Last evaluated: 2026-01-09. Review status: criteria provided, single submitter. Criteria: Invitae Variant Classification Sherloc (09022015). Collection method: clinical testing. Allele origin: germline.

Illumina Laboratory Services, Illumina
Classification: Uncertain significance for Tumoral calcinosis, hyperphosphatemic, familial, 3. Last evaluated: 2018-01-13. Review status: criteria provided, single submitter. Criteria: ICSL Variant Classification Criteria 13 December 2019. Collection method: clinical testing. Allele origin: germline.

PreventionGenetics, part of Exact Sciences
Classification: Benign for KL-related condition. Last evaluated: 2019-11-21. Review status: no assertion criteria provided. Collection method: clinical testing. Allele origin: germline. Not counted in ClinVar's aggregate classification.
Comment: This variant is classified as benign based on ACMG/AMP sequence variant interpretation guidelines (Richards et al. 2015 PMID: 25741868, with internal and published modifications).

NM_004795.4(KL):c.2626G>A (p.Asp876Asn)

Gene: KL (klotho; plus strand). Cytogenetic location: 13q13.1.
Variant type: single nucleotide variant.
Coding change: c.2626G>A on transcript NM_004795.4 (MANE Select); coding-DNA position 2626, G replaced by A.
Protein change: p.Asp876Asn; replaces aspartic acid 876 with asparagine.
Molecular consequence: missense variant.
Genome position (GRCh38, 1-based): chr13:33,061,705, G>A. VCF-style: chr13-33061705-G-A. GRCh37 (hg19) VCF-style: chr13-33635842-G-A.
Other names: short protein forms D876N.
Identifiers: ClinVar variation 311706 (VCV000311706.15), dbSNP rs146235320, ClinGen allele CA6944344.